The following is an entry in ClinVar:

ClinVar aggregate classification (germline): Likely pathogenic (1 of 4 stars; one submission).

Conditions:
Familial cancer of breast. Also called: hereditary breast carcinoma; Hereditary breast cancer; BREAST CANCER, FAMILIAL. Identifiers: Orphanet 227535, MedGen C0346153, MONDO:0016419, OMIM 114480. Disease mechanism: loss of function.

Submission:

Labcorp Genetics (formerly Invitae), Labcorp
Classification: Likely pathogenic for Familial cancer of breast. Last evaluated: 2021-01-12. Review status: criteria provided, single submitter. Criteria: Invitae Variant Classification Sherloc (09022015). Collection method: clinical testing. Allele origin: germline.
Comment: In summary, the currently available evidence indicates that the variant is pathogenic, but additional data are needed to prove that conclusively. Therefore, this variant has been classified as Likely Pathogenic. Algorithms developed to predict the effect of sequence changes on RNA splicing suggest that this variant may disrupt the consensus splice site, but this prediction has not been confirmed by published transcriptional studies. This variant has not been reported in the literature in individuals with CHEK2-related conditions. This variant is not present in population databases (ExAC no frequency). This sequence change affects a donor splice site in intron 13 of the CHEK2 gene. It is expected to disrupt RNA splicing. Variants that disrupt the donor or acceptor splice site typically lead to a loss of protein function (PMID: 16199547), and loss-of-function variants in CHEK2 are known to be pathogenic (PMID: 21876083, 24713400).

Literature cited by the submitters: PubMed 16199547; PubMed 21876083; PubMed 24713400.

NM_007194.4(CHEK2):c.1461+1G>C

Gene: CHEK2 (checkpoint kinase 2; minus strand). Cytogenetic location: 22q12.1.
Variant type: single nucleotide variant.
Coding change: c.1461+1G>C on transcript NM_007194.4 (MANE Select); the canonical splice donor site of the intron after coding-DNA position 1461, G replaced by C.
Molecular consequence: splice donor variant.
Genome position (GRCh38, 1-based): chr22:28,694,031, C>G on the plus strand (G>C on the coding strand, the complement: CHEK2 is on the minus strand). VCF-style: chr22-28694031-C-G. GRCh37 (hg19) VCF-style: chr22-29090019-C-G.
Other names: c.798+1G>C (NM_001437942.1, NM_001257387.3); c.1260+1G>C (NM_001349956.3); c.1374+1G>C (NM_145862.3); c.1467+1G>C (NM_001438295.1); c.1554+1G>C (NM_001438293.1); c.1503+1G>C (NM_001438294.1); c.1590+1G>C (NM_001005735.3).
Identifiers: ClinVar variation 1478389 (VCV001478389.9), dbSNP rs886039629, ClinGen allele CA411093854.